The following is an entry in ClinVar:

NM_001367624.2(ZNF469):c.343A>C (p.Ser115Arg)

Gene: ZNF469 (zinc finger protein 469; plus strand). Cytogenetic location: 16q24.2.
Variant type: single nucleotide variant.
Coding change: c.343A>C on transcript NM_001367624.2 (MANE Select); coding-DNA position 343, A replaced by C.
Protein change: p.Ser115Arg; replaces serine 115 with arginine.
Molecular consequence: missense variant.
Genome position (GRCh38, 1-based): chr16:88,427,813, A>C. VCF-style: chr16-88427813-A-C. GRCh37 (hg19) VCF-style: chr16-88494221-A-C.
Other names: short protein forms S115R.
Identifiers: ClinVar variation 2067722 (VCV002067722.4), dbSNP rs2507570902, ClinGen allele CA397059214.
Genomic context (GRCh38, chr16:88,427,813, plus strand): 5'-ACCCCACCGGGGAGAAGCCCCTTGCAGGCTCCCTCAAGGCTGGCGGGCAGGGCAGAGGGC[A>C]GCCCCCCACAGCGCTACATTCTGGGCATCGCCAGCTCGAGGACCAAGCCCACCCTGGACG-3'
Protein context (NP_001354553.1, residues 105-125): PSRLAGRAEG[Ser115Arg]PPQRYILGIA

ClinVar aggregate classification (germline): Uncertain significance (1 of 4 stars; one submission).

Submission:

Labcorp Genetics (formerly Invitae), Labcorp
Classification: Uncertain significance. Last evaluated: 2021-12-31. Review status: criteria provided, single submitter. Criteria: Invitae Variant Classification Sherloc (09022015). Collection method: clinical testing. Allele origin: germline.
Comment: In summary, the available evidence is currently insufficient to determine the role of this variant in disease. Therefore, it has been classified as a Variant of Uncertain Significance. Algorithms developed to predict the effect of missense changes on protein structure and function (SIFT, PolyPhen-2, Align-GVGD) all suggest that this variant is likely to be tolerated. This variant has not been reported in the literature in individuals affected with ZNF469-related conditions. This variant is not present in population databases (gnomAD no frequency). This sequence change replaces serine, which is neutral and polar, with arginine, which is basic and polar, at codon 115 of the ZNF469 protein (p.Ser115Arg).